The following is an entry in ClinVar:

ClinVar aggregate classification (germline): Conflicting classifications of pathogenicity. Review status: criteria provided, conflicting classifications (1 of 4 stars). 2 submissions from 2 submitters: Likely pathogenic (1); Uncertain significance (1). Last evaluated 2026-05-14.

Conditions:
Tyrosinase-positive oculocutaneous albinism (OCA2). Also called: ALBINISM II; Albinism, oculocutaneous, type II; Oculocutaneous albinism type 2. Identifiers: Orphanet 79432, MedGen C0268495, MONDO:0008746, OMIM 203200.

Allele frequency attached by ClinVar (database versions not stated): gnomAD exomes below 0.00001.
gnomAD v4.1: 2 of 1,612,528 alleles (0.00012%); highest among the groups gnomAD compares: Non-Finnish European, 0.00017%; no homozygotes.

Submissions (2):

Myriad Genetics, Inc.
Classification: Uncertain significance for Tyrosinase-positive oculocutaneous albinism. Last evaluated: 2026-05-14. Review status: criteria provided, single submitter. Criteria: Myriad Autosomal Dominant, Autosomal Recessive and X-Linked Classification Criteria (2023). Collection method: clinical testing. Allele origin: unknown.
Comment: NM_000275.2(OCA2):c.1778T>C(F593S) is a missense variant classified as a variant of uncertain significance in the context of oculocutaneous albinism, OCA2-related. F593S has been observed in a case with relevant disease (PMID: 37650133). Relevant functional assessments of this variant are not available in the literature. F593S has not been observed in referenced population frequency databases. In summary, there is insufficient evidence to classify NM_000275.2(OCA2):c.1778T>C(F593S) as pathogenic or benign. Please note: this variant was assessed in the context of healthy population screening.

Laboratoire de Génétique Moléculaire, CHU Bordeaux
Classification: Likely pathogenic for Tyrosinase-positive oculocutaneous albinism. Review status: criteria provided, single submitter. Criteria: ACMG Guidelines, 2015. Collection method: clinical testing. Allele origin: germline. Affected: yes.

Literature cited by the submitters: PubMed 37650133 (cited by Myriad Genetics, Inc.).

NM_000275.3(OCA2):c.1778T>C (p.Phe593Ser)

Gene: OCA2 (OCA2 melanosomal transmembrane protein; minus strand). Cytogenetic location: 15q13.1.
Variant type: single nucleotide variant.
Coding change: c.1778T>C on transcript NM_000275.3 (MANE Select); coding-DNA position 1778, T replaced by C.
Protein change: p.Phe593Ser; replaces phenylalanine 593 with serine.
Molecular consequence: missense variant.
Genome position (GRCh38, 1-based): chr15:27,957,594, A>G on the plus strand (T>C on the coding strand, the complement: OCA2 is on the minus strand). VCF-style: chr15-27957594-A-G. GRCh37 (hg19) VCF-style: chr15-28202740-A-G.
Other names: c.1706T>C, p.Phe569Ser (NM_001300984.2); short protein forms F569S, F593S.
Identifiers: ClinVar variation 2430235 (VCV002430235.2), dbSNP rs2506575769, ClinGen allele CA391365541.